The following is an entry in ClinVar:

ClinVar aggregate classification (germline): Uncertain significance. Review status: criteria provided, multiple submitters, no conflicts (2 of 4 stars). 2 submissions from 2 submitters: Uncertain significance (2). Last evaluated 2023-10-30.

Conditions:
Inborn genetic diseases. Identifiers: MedGen C0950123, MeSH D030342.
Myopathy, proximal, and ophthalmoplegia (CMYO6). Also called: MYOPATHY WITH CONGENITAL JOINT CONTRACTURES, OPHTHALMOPLEGIA, AND RIMMED VACUOLES; INCLUSION BODY MYOPATHY 3, AUTOSOMAL DOMINANT; CONGENITAL MYOPATHY 6 WITH OPHTHALMOPLEGIA. Identifiers: Orphanet 363677, Orphanet 79091, MedGen C1854106, MONDO:0011577, OMIM 605637.

Allele frequency attached by ClinVar (database versions not stated): TOPMed below 0.00001; gnomAD 0.00001; ExAC 0.00002.
gnomAD v4.1: 33 of 1,614,032 alleles (0.002%); highest among the groups gnomAD compares: Non-Finnish European, 0.0025%; no homozygotes.

Submissions (2):

Ambry Genetics
Classification: Uncertain significance for Inborn genetic diseases. Last evaluated: 2023-10-30. Review status: criteria provided, single submitter. Criteria: Ambry Variant Classification Scheme 2023. Collection method: clinical testing. Allele origin: germline.

Labcorp Genetics (formerly Invitae), Labcorp
Classification: Uncertain significance for Myopathy, proximal, and ophthalmoplegia. Last evaluated: 2022-11-23. Review status: criteria provided, single submitter. Criteria: Invitae Variant Classification Sherloc (09022015). Collection method: clinical testing. Allele origin: germline.
Comment: In summary, the available evidence is currently insufficient to determine the role of this variant in disease. Therefore, it has been classified as a Variant of Uncertain Significance. Advanced modeling of protein sequence and biophysical properties (such as structural, functional, and spatial information, amino acid conservation, physicochemical variation, residue mobility, and thermodynamic stability) performed at Invitae indicates that this missense variant is not expected to disrupt MYH2 protein function. This variant has not been reported in the literature in individuals affected with MYH2-related conditions. This variant is present in population databases (rs772105755, gnomAD 0.01%). This sequence change replaces lysine, which is basic and polar, with arginine, which is basic and polar, at codon 1222 of the MYH2 protein (p.Lys1222Arg).

NM_017534.6(MYH2):c.3665A>G (p.Lys1222Arg)

Genes: MYH2 (myosin heavy chain 2; minus strand), MYHAS (myosin heavy chain gene cluster antisense RNA; plus strand). Cytogenetic location: 17p13.1.
Variant type: single nucleotide variant.
Coding change: c.3665A>G on transcript NM_017534.6 (MANE Select); coding-DNA position 3665, A replaced by G.
Protein change: p.Lys1222Arg; replaces lysine 1222 with arginine.
Molecular consequence: missense variant.
Genome position (GRCh38, 1-based): chr17:10,528,769, T>C on the plus strand (A>G on the coding strand, the complement: MYH2 is on the minus strand). VCF-style: chr17-10528769-T-C. GRCh37 (hg19) VCF-style: chr17-10432086-T-C.
Other names: c.3665A>G (NM_017534.5); c.3665A>G, p.Lys1222Arg (NM_001100112.2); short protein forms K1222R.
Identifiers: ClinVar variation 2903458 (VCV002903458.4), dbSNP rs772105755, ClinGen allele CA8390844.